The following is an entry in ClinVar:

ClinVar aggregate classification (germline): Uncertain significance (1 of 4 stars; one submission).

gnomAD v4.1: 1 of 1,614,028 alleles (0.000062%); highest among the groups gnomAD compares: Non-Finnish European, 0.000085%; no homozygotes.

Submission:

Labcorp Genetics (formerly Invitae), Labcorp
Classification: Uncertain significance. Last evaluated: 2024-09-21. Review status: criteria provided, single submitter. Criteria: Invitae Variant Classification Sherloc (09022015). Collection method: clinical testing. Allele origin: germline.
Comment: This sequence change replaces alanine, which is neutral and non-polar, with valine, which is neutral and non-polar, at codon 734 of the VAV1 protein (p.Ala734Val). This variant is not present in population databases (gnomAD no frequency). This variant has not been reported in the literature in individuals affected with VAV1-related conditions. An algorithm developed to predict the effect of missense changes on protein structure and function (PolyPhen-2) suggests that this variant is likely to be disruptive. In summary, the available evidence is currently insufficient to determine the role of this variant in disease. Therefore, it has been classified as a Variant of Uncertain Significance.

NM_005428.4(VAV1):c.2201C>T (p.Ala734Val)

Gene: VAV1 (vav guanine nucleotide exchange factor 1; plus strand). Cytogenetic location: 19p13.3.
Variant type: single nucleotide variant.
Coding change: c.2201C>T on transcript NM_005428.4 (MANE Select); coding-DNA position 2201, C replaced by T.
Protein change: p.Ala734Val; replaces alanine 734 with valine.
Molecular consequence: missense variant.
Genome position (GRCh38, 1-based): chr19:6,850,741, C>T. VCF-style: chr19-6850741-C-T. GRCh37 (hg19) VCF-style: chr19-6850752-C-T.
Other names: c.2135C>T, p.Ala712Val (NM_001258206.2); c.2105C>T, p.Ala702Val (NM_001258207.2); short protein forms A734V, A702V, A712V.
Identifiers: ClinVar variation 3721263 (VCV003721263.2).